The following is an entry in ClinVar:

ClinVar aggregate classification (germline): Uncertain significance. Review status: criteria provided, multiple submitters, no conflicts (2 of 4 stars). 2 submissions from 2 submitters: Uncertain significance (2). Last evaluated 2024-01-01.

Conditions:
Hereditary cancer-predisposing syndrome. Also called: Neoplastic Syndromes, Hereditary; Tumor predisposition; Hereditary neoplastic syndrome; Hereditary Cancer Syndrome. Identifiers: Orphanet 140162, MedGen C0027672, MeSH D009386, MONDO:0015356.

Submissions (2):

Labcorp Genetics (formerly Invitae), Labcorp
Classification: Uncertain significance. Last evaluated: 2024-01-01. Review status: criteria provided, single submitter. Criteria: Invitae Variant Classification Sherloc (09022015). Collection method: clinical testing. Allele origin: germline.
Comment: This sequence change replaces arginine, which is basic and polar, with lysine, which is basic and polar, at codon 979 of the MSH3 protein (p.Arg979Lys). This variant is not present in population databases (gnomAD no frequency). This variant has not been reported in the literature in individuals affected with MSH3-related conditions. ClinVar contains an entry for this variant (Variation ID: 840224). An algorithm developed to predict the effect of missense changes on protein structure and function (PolyPhen-2) suggests that this variant is likely to be disruptive. In summary, the available evidence is currently insufficient to determine the role of this variant in disease. Therefore, it has been classified as a Variant of Uncertain Significance.

Ambry Genetics
Classification: Uncertain significance for Hereditary cancer-predisposing syndrome. Last evaluated: 2023-12-14. Review status: criteria provided, single submitter. Criteria: Ambry Variant Classification Scheme 2023. Collection method: clinical testing. Allele origin: germline.
Comment: The p.R979K variant (also known as c.2936G>A), located in coding exon 21 of the MSH3 gene, results from a G to A substitution at nucleotide position 2936. The arginine at codon 979 is replaced by lysine, an amino acid with highly similar properties. This amino acid position is conserved. In addition, this alteration is predicted to be deleterious by in silico analysis. Since supporting evidence is limited at this time, the clinical significance of this alteration remains unclear.

NM_002439.5(MSH3):c.2936G>A (p.Arg979Lys)

Gene: MSH3 (mutS homolog 3; plus strand). Cytogenetic location: 5q14.1.
Variant type: single nucleotide variant.
Coding change: c.2936G>A on transcript NM_002439.5 (MANE Select); coding-DNA position 2936, G replaced by A.
Protein change: p.Arg979Lys; replaces arginine 979 with lysine.
Molecular consequence: missense variant.
Genome position (GRCh38, 1-based): chr5:80,854,252, G>A. VCF-style: chr5-80854252-G-A. GRCh37 (hg19) VCF-style: chr5-80150071-G-A.
Other names: c.2936G>A (NM_002439.3); short protein forms R979K.
Identifiers: ClinVar variation 840224 (VCV000840224.10), dbSNP rs1174658305, ClinGen allele CA360275724.
Genomic context (GRCh38, chr5:80,854,252, plus strand): 5'-CAGCAGAAATAATCAGAAAAGCAACATCACAGTCCTTGGTTATCTTGGATGAACTAGGAA[G>A]AGGGACGAGCACTCATGATGGAATTGCCATTGCCTATGCTACACTTGAGTATTTCATCAG-3'
Protein context (NP_002430.3, residues 969-989): QSLVILDELG[Arg979Lys]GTSTHDGIAI